The following is an entry in ClinVar:

NC_000013.11:g.77900653CT[1]

Genes: EDNRB (endothelin receptor type B; minus strand), EDNRB-AS1 (EDNRB antisense RNA 1; plus strand). Cytogenetic location: 13q22.3.
Variant type: Microsatellite.
Genome position: GRCh38 VCF-style: chr13-77900651-GTC-G. GRCh37 (hg19) VCF-style: chr13-78474786-GTC-G.
Identifiers: ClinVar variation 3655713 (VCV003655713.2).

ClinVar aggregate classification (germline): Pathogenic (1 of 4 stars; one submission).

Submission:

Labcorp Genetics (formerly Invitae), Labcorp
Classification: Pathogenic. Last evaluated: 2024-12-09. Review status: criteria provided, single submitter. Criteria: Invitae Variant Classification Sherloc (09022015). Collection method: clinical testing. Allele origin: germline.
Comment: This sequence change creates a premature translational stop signal (p.Arg318Thrfs*33) in the EDNRB gene. It is expected to result in an absent or disrupted protein product. Loss-of-function variants in EDNRB are known to be pathogenic (PMID: 8001159, 10528251, 20127975, 30394532). This variant is not present in population databases (gnomAD no frequency). This variant has not been reported in the literature in individuals affected with EDNRB-related conditions. For these reasons, this variant has been classified as Pathogenic.

Literature cited by the submitters: PubMed 8001159; PubMed 10528251; PubMed 20127975; PubMed 30394532.